The following is an entry in ClinVar:

NM_001195518.2(MICU1):c.83A>G (p.Gln28Arg)

Gene: MICU1 (mitochondrial calcium uptake 1; minus strand). Cytogenetic location: 10q22.1.
Variant type: single nucleotide variant.
Coding change: c.83A>G on transcript NM_001195518.2 (MANE Select); coding-DNA position 83, A replaced by G.
Protein change: p.Gln28Arg; replaces glutamine 28 with arginine.
Molecular consequence: missense variant.
Genome position (GRCh38, 1-based): chr10:72,566,711, T>C on the plus strand (A>G on the coding strand, the complement: MICU1 is on the minus strand). VCF-style: chr10-72566711-T-C. GRCh37 (hg19) VCF-style: chr10-74326469-T-C.
Other names: c.83A>G, p.Gln28Arg (NM_001363513.2, NM_006077.4); short protein forms Q28R.
Identifiers: ClinVar variation 2039786 (VCV002039786.4), dbSNP rs373032029, ClinGen allele CA5550354.

ClinVar aggregate classification (germline): Uncertain significance. Review status: criteria provided, multiple submitters, no conflicts (2 of 4 stars). 2 submissions from 2 submitters: Uncertain significance (2). Last evaluated 2025-11-25.

Conditions:
Inborn genetic diseases. Identifiers: MedGen C0950123, MeSH D030342.

Allele frequency attached by ClinVar (database versions not stated): gnomAD 0.00004; ExAC 0.00005; TOPMed 0.00006; gnomAD exomes 0.00007; ESP Exome Variant Server 0.00008.
gnomAD v4.1: 113 of 1,612,618 alleles (0.007%); highest among the groups gnomAD compares: South Asian, 0.014%; no homozygotes.

Submissions (2):

Labcorp Genetics (formerly Invitae), Labcorp
Classification: Uncertain significance. Last evaluated: 2025-11-25. Review status: criteria provided, single submitter. Criteria: Invitae Variant Classification Sherloc (09022015). Collection method: clinical testing. Allele origin: germline.
Comment: This sequence change replaces glutamine, which is neutral and polar, with arginine, which is basic and polar, at codon 28 of the MICU1 protein (p.Gln28Arg). This variant is present in population databases (rs373032029, gnomAD 0.01%). This variant has not been reported in the literature in individuals affected with MICU1-related conditions. ClinVar contains an entry for this variant (Variation ID: 2039786). Experimental studies and prediction algorithms are not available or were not evaluated, and the functional significance of this variant is currently unknown. In summary, the available evidence is currently insufficient to determine the role of this variant in disease. Therefore, it has been classified as a Variant of Uncertain Significance.

Ambry Genetics
Classification: Uncertain significance for Inborn genetic diseases. Last evaluated: 2025-04-04. Review status: criteria provided, single submitter. Criteria: Ambry Variant Classification Scheme 2023. Collection method: clinical testing. Allele origin: germline.